The following is an entry in ClinVar:

NM_006158.5(NEFL):c.1284G>A (p.Gln428=)

Gene: NEFL (neurofilament light chain; minus strand). Cytogenetic location: 8p21.2.
Variant type: single nucleotide variant.
Coding change: c.1284G>A on transcript NM_006158.5 (MANE Select); coding-DNA position 1284, G replaced by A.
Protein change: p.Gln428=; no amino-acid change (glutamine 428 retained).
Molecular consequence: synonymous variant.
Genome position (GRCh38, 1-based): chr8:24,953,681, C>T on the plus strand (G>A on the coding strand, the complement: NEFL is on the minus strand). VCF-style: chr8-24953681-C-T. GRCh37 (hg19) VCF-style: chr8-24811195-C-T.
Identifiers: ClinVar variation 511829 (VCV000511829.7), dbSNP rs931901985, ClinGen allele CA460183200.

ClinVar aggregate classification (germline): Likely benign. Review status: criteria provided, multiple submitters, no conflicts (2 of 4 stars). 3 submissions from 3 submitters: Likely benign (3). Last evaluated 2024-07-11.

Conditions:
Inborn genetic diseases. Identifiers: MedGen C0950123, MeSH D030342.
Charcot-Marie-Tooth disease type 2E (CMT2E). Also called: CHARCOT-MARIE-TOOTH NEUROPATHY, TYPE 2E; CHARCOT-MARIE-TOOTH DISEASE, AXONAL, TYPE 2E. Identifiers: Orphanet 99939, MedGen C1843225, MONDO:0011894, OMIM 607684.

Allele frequency attached by ClinVar (database versions not stated): gnomAD exomes below 0.00001.

Submissions (3):

Labcorp Genetics (formerly Invitae), Labcorp
Classification: Likely benign for Charcot-Marie-Tooth disease type 2E. Last evaluated: 2024-07-11. Review status: criteria provided, single submitter. Criteria: Invitae Variant Classification Sherloc (09022015). Collection method: clinical testing. Allele origin: germline.

Ambry Genetics
Classification: Likely benign for Inborn genetic diseases. Last evaluated: 2019-07-11. Review status: criteria provided, single submitter. Criteria: Ambry Variant Classification Scheme 2023. Collection method: clinical testing. Allele origin: germline.

GeneDx
Classification: Likely benign. Last evaluated: 2017-08-31. Review status: criteria provided, single submitter. Criteria: GeneDx Variant Classification (06012015). Collection method: clinical testing. Allele origin: germline. Affected: yes.
Comment: This variant is considered likely benign or benign based on one or more of the following criteria: it is a conservative change, it occurs at a poorly conserved position in the protein, it is predicted to be benign by multiple in silico algorithms, and/or has population frequency not consistent with disease.